The following is an entry in ClinVar:

NM_016333.4(SRRM2):c.3603A>G (p.Val1201=)

Gene: SRRM2 (serine/arginine repetitive matrix 2; plus strand). Cytogenetic location: 16p13.3.
Variant type: single nucleotide variant.
Coding change: c.3603A>G on transcript NM_016333.4 (MANE Select); coding-DNA position 3603, A replaced by G.
Protein change: p.Val1201=; no amino-acid change (valine 1201 retained).
Molecular consequence: synonymous variant.
Genome position (GRCh38, 1-based): chr16:2,764,131, A>G. VCF-style: chr16-2764131-A-G. GRCh37 (hg19) VCF-style: chr16-2814132-A-G.
Identifiers: ClinVar variation 5040894 (VCV005040894.1).

ClinVar aggregate classification (germline): Likely benign (1 of 4 stars; one submission).

gnomAD v4.1: 17 of 1,614,176 alleles (0.0011%); highest among the groups gnomAD compares: Admixed American, 0.028%; no homozygotes.

Submission:

CeGaT Center for Human Genetics Tuebingen
Classification: Likely benign. Last evaluated: 2026-09-01. Review status: criteria provided, single submitter. Criteria: CeGaT Center For Human Genetics Tuebingen Variant Classification Criteria Version 2. Collection method: clinical testing. Allele origin: germline. Affected: yes. Observed: 1 variant allele.
Comment: SRRM2: BP4, BP7